The following is an entry in ClinVar:

NM_000291.4(PGK1):c.736A>G (p.Lys246Glu)

Gene: PGK1 (phosphoglycerate kinase 1; plus strand). Cytogenetic location: Xq21.1.
Variant type: single nucleotide variant.
Coding change: c.736A>G on transcript NM_000291.4 (MANE Select); coding-DNA position 736, A replaced by G.
Protein change: p.Lys246Glu; replaces lysine 246 with glutamic acid.
Molecular consequence: missense variant.
Genome position (GRCh38, 1-based): chrX:78,122,929, A>G. VCF-style: chrX-78122929-A-G. GRCh37 (hg19) VCF-style: chrX-77378426-A-G.
Other names: c.736A>G (NM_000291.3); short protein forms K246E.
Identifiers: ClinVar variation 591102 (VCV000591102.8), dbSNP rs144399762, ClinGen allele CA10459754.

ClinVar aggregate classification (germline): Conflicting classifications of pathogenicity. Review status: criteria provided, conflicting classifications (1 of 4 stars). 4 submissions from 4 submitters: Uncertain significance (1); Likely benign (2). 1 of the submissions does not count toward it. Last evaluated 2025-05-12.

Conditions:
Inborn genetic diseases. Identifiers: MedGen C0950123, MeSH D030342.
Glycogen storage disease due to phosphoglycerate kinase 1 deficiency. Also called: PHOSPHOGLYCERATE KINASE 1 DEFICIENCY WITH LEVO-DOPA-RESPONSIVE PARKINSONISM; PGK1 DEFICIENCY. Identifiers: Orphanet 713, MedGen C1970848, MONDO:0010392, OMIM 300653.

Allele frequency attached by ClinVar (database versions not stated): ExAC 0.00003; 1000 Genomes Project 30x 0.00021; gnomAD exomes 0.00002; gnomAD 0.00004 and 0.00003; 1000 Genomes Project 0.00026; TOPMed 0.00010; ESP Exome Variant Server 0.00028.

Submissions (4):

Labcorp Genetics (formerly Invitae), Labcorp
Classification: Uncertain significance. Last evaluated: 2025-05-12. Review status: criteria provided, single submitter. Criteria: Invitae Variant Classification Sherloc (09022015). Collection method: clinical testing. Allele origin: germline.
Comment: This sequence change replaces lysine, which is basic and polar, with glutamic acid, which is acidic and polar, at codon 246 of the PGK1 protein (p.Lys246Glu). This variant is present in population databases (rs144399762, gnomAD 0.02%). This variant has not been reported in the literature in individuals affected with PGK1-related conditions. ClinVar contains an entry for this variant (Variation ID: 591102). Invitae Evidence Modeling of protein sequence and biophysical properties (such as structural, functional, and spatial information, amino acid conservation, physicochemical variation, residue mobility, and thermodynamic stability) indicates that this missense variant is not expected to disrupt PGK1 protein function with a negative predictive value of 80%. In summary, the available evidence is currently insufficient to determine the role of this variant in disease. Therefore, it has been classified as a Variant of Uncertain Significance.

Fulgent Genetics
Classification: Likely benign for Glycogen storage disease due to phosphoglycerate kinase 1 deficiency. Last evaluated: 2024-04-14. Review status: criteria provided, single submitter. Criteria: ACMG Guidelines, 2015. Collection method: clinical testing. Allele origin: germline.

Ambry Genetics
Classification: Likely benign for Inborn genetic diseases. Last evaluated: 2021-12-02. Review status: criteria provided, single submitter. Criteria: Ambry Variant Classification Scheme 2023. Collection method: clinical testing. Allele origin: germline.

Gharavi Laboratory, Columbia University
Classification: Uncertain significance. Last evaluated: 2018-09-16. Review status: no assertion criteria provided. Criteria: ACMG Guidelines, 2015. Collection method: research. Allele origin: germline. Affected: yes. Not counted in ClinVar's aggregate classification.